The following is an entry in ClinVar:

ClinVar aggregate classification (germline): Uncertain significance (1 of 4 stars; one submission).

Conditions:
Inborn genetic diseases. Identifiers: MedGen C0950123, MeSH D030342.

Submission:

Ambry Genetics
Classification: Uncertain significance for Inborn genetic diseases. Last evaluated: 2025-06-06. Review status: criteria provided, single submitter. Criteria: Ambry Variant Classification Scheme 2023. Collection method: clinical testing. Allele origin: germline.
Comment: The p.E437K variant (also known as c.1309G>A), located in coding exon 10 of the BUB1B gene, results from a G to A substitution at nucleotide position 1309. The glutamic acid at codon 437 is replaced by lysine, an amino acid with similar properties. This amino acid position is conserved. In addition, this alteration is predicted to be tolerated by in silico analysis. Based on the available evidence, the clinical significance of this variant remains unclear.

NM_001211.6(BUB1B):c.1309G>A (p.Glu437Lys)

Gene: BUB1B (BUB1 mitotic checkpoint serine/threonine kinase B; plus strand). Cytogenetic location: 15q15.1.
Variant type: single nucleotide variant.
Coding change: c.1309G>A on transcript NM_001211.6 (MANE Select); coding-DNA position 1309, G replaced by A.
Protein change: p.Glu437Lys; replaces glutamic acid 437 with lysine.
Molecular consequence: missense variant.
Genome position (GRCh38, 1-based): chr15:40,199,635, G>A. VCF-style: chr15-40199635-G-A. GRCh37 (hg19) VCF-style: chr15-40491836-G-A.
Other names: short protein forms E437K.
Identifiers: ClinVar variation 3993746 (VCV003993746.1).